The following is an entry in ClinVar:

NM_001029896.2(WDR45):c.828-2A>G

Gene: WDR45 (WD repeat domain 45; minus strand). Cytogenetic location: Xp11.23.
Variant type: single nucleotide variant.
Coding change: c.828-2A>G on transcript NM_001029896.2 (MANE Select); the canonical splice acceptor site of the intron before coding-DNA position 828, A replaced by G.
Molecular consequence: splice acceptor variant.
Genome position (GRCh38, 1-based): chrX:49,075,283, T>C on the plus strand (A>G on the coding strand, the complement: WDR45 is on the minus strand). VCF-style: chrX-49075283-T-C. GRCh37 (hg19) VCF-style: chrX-48932942-T-C.
Other names: c.831-2A>G (NM_007075.4).
Identifiers: ClinVar variation 1998383 (VCV001998383.4), dbSNP rs2147814944, ClinGen allele CA412942541.

ClinVar aggregate classification (germline): Likely pathogenic (1 of 4 stars; one submission).

Conditions:
Neurodegeneration with brain iron accumulation 5 (NBIA5). Also called: STATIC ENCEPHALOPATHY OF CHILDHOOD WITH NEURODEGENERATION IN ADULTHOOD; Beta-propeller protein-associated neurodegeneration. Identifiers: Orphanet 329284, MedGen C3550973, MONDO:0010476, OMIM 300894.

Submission:

Labcorp Genetics (formerly Invitae), Labcorp
Classification: Likely pathogenic for Neurodegeneration with brain iron accumulation 5. Last evaluated: 2023-08-04. Review status: criteria provided, single submitter. Criteria: Invitae Variant Classification Sherloc (09022015). Collection method: clinical testing. Allele origin: germline.
Comment: This variant is not present in population databases (gnomAD no frequency). This variant has not been reported in the literature in individuals affected with WDR45-related conditions. ClinVar contains an entry for this variant (Variation ID: 1998383). Algorithms developed to predict the effect of sequence changes on RNA splicing suggest that this variant may disrupt the consensus splice site. In summary, the currently available evidence indicates that the variant is pathogenic, but additional data are needed to prove that conclusively. Therefore, this variant has been classified as Likely Pathogenic. This sequence change affects an acceptor splice site in intron 10 of the WDR45 gene. It is expected to disrupt RNA splicing. Variants that disrupt the donor or acceptor splice site typically lead to a loss of protein function (PMID: 16199547), and loss-of-function variants in WDR45 are known to be pathogenic (PMID: 23176820, 24368176, 24621584, 25744623, 26790960, 27030146, 27652284, 28554332).

Literature cited by the submitters: PubMed 16199547; PubMed 23176820; PubMed 24368176; PubMed 24621584; PubMed 25744623; PubMed 26790960; PubMed 27030146; PubMed 27652284; PubMed 28554332.